The following is an entry in ClinVar:

ClinVar aggregate classification (germline): Likely pathogenic. Review status: criteria provided, single submitter (1 of 4 stars). 2 submissions from 2 submitters: Likely pathogenic (1). 1 of the submissions does not count toward it. Last evaluated 2022-12-31.

Conditions:
Autosomal recessive osteopetrosis 1. Also called: TCIRG1-Related Autosomal Recessive Osteopetrosis; TCIRG1-Related Osteopetrosis; ALBERS-SCHONBERG DISEASE, AUTOSOMAL RECESSIVE. Identifiers: Orphanet 667, MedGen C1850127, MONDO:0009815, OMIM 259700.

Allele frequency attached by ClinVar (database versions not stated): gnomAD exomes 0.00001.
gnomAD v4.1: 7 of 1,613,314 alleles (0.00043%); highest among the groups gnomAD compares: Non-Finnish European, 0.00059%; no homozygotes.

Submissions (2):

Labcorp Genetics (formerly Invitae), Labcorp
Classification: Likely pathogenic. Last evaluated: 2022-12-31. Review status: criteria provided, single submitter. Criteria: Invitae Variant Classification Sherloc (09022015). Collection method: clinical testing. Allele origin: germline.
Comment: ClinVar contains an entry for this variant (Variation ID: 554018). This variant has not been reported in the literature in individuals affected with TCIRG1-related conditions. This variant is not present in population databases (gnomAD no frequency). This sequence change affects an acceptor splice site in intron 11 of the TCIRG1 gene. It is expected to disrupt RNA splicing. Variants that disrupt the donor or acceptor splice site typically lead to a loss of protein function (PMID: 16199547), and loss-of-function variants in TCIRG1 are known to be pathogenic (PMID: 10888887, 10942435, 11532986, 19448635). Algorithms developed to predict the effect of sequence changes on RNA splicing suggest that this variant may disrupt the consensus splice site. In summary, the currently available evidence indicates that the variant is pathogenic, but additional data are needed to prove that conclusively. Therefore, this variant has been classified as Likely Pathogenic.

Counsyl
Classification: Likely pathogenic for Autosomal recessive osteopetrosis 1. Last evaluated: 2017-09-22. Review status: no assertion criteria provided. Collection method: clinical testing. Allele origin: unknown. Not counted in ClinVar's aggregate classification.

Literature cited by the submitters: PubMed 16199547 (cited by Labcorp Genetics (formerly Invitae), Labcorp); PubMed 10888887 (cited by Labcorp Genetics (formerly Invitae), Labcorp); PubMed 10942435 (cited by Labcorp Genetics (formerly Invitae), Labcorp); PubMed 11532986 (cited by Labcorp Genetics (formerly Invitae), Labcorp); PubMed 19448635 (cited by Labcorp Genetics (formerly Invitae), Labcorp).

NM_006019.4(TCIRG1):c.1306-1G>A

Gene: TCIRG1 (T cell immune regulator 1, ATPase H+ transporting V0 subunit a3; plus strand). Cytogenetic location: 11q13.2.
Variant type: single nucleotide variant.
Coding change: c.1306-1G>A on transcript NM_006019.4 (MANE Select); the canonical splice acceptor site of the intron before coding-DNA position 1306, G replaced by A.
Molecular consequence: splice acceptor variant.
Genome position (GRCh38, 1-based): chr11:68,047,646, G>A. VCF-style: chr11-68047646-G-A. GRCh37 (hg19) VCF-style: chr11-67815113-G-A.
Other names: c.412-1G>A (NM_001351059.2); c.658-1G>A (NM_006053.4).
Identifiers: ClinVar variation 554018 (VCV000554018.10), dbSNP rs1554997884, ClinGen allele CA381583329.